The following is an entry in ClinVar:

NM_000390.4(CHM):c.1952C>G (p.Ser651Cys)

Gene: CHM (CHM Rab escort protein; minus strand). Cytogenetic location: Xq21.2.
Variant type: single nucleotide variant.
Coding change: c.1952C>G on transcript NM_000390.4 (MANE Select); coding-DNA position 1952, C replaced by G.
Protein change: p.Ser651Cys; replaces serine 651 with cysteine.
Molecular consequence: missense variant.
Genome position (GRCh38, 1-based): chrX:85,864,640, G>C on the plus strand (C>G on the coding strand, the complement: CHM is on the minus strand). VCF-style: chrX-85864640-G-C. GRCh37 (hg19) VCF-style: chrX-85119645-G-C.
Other names: c.1508C>G, p.Ser503Cys (NM_001320959.1, NM_001362517.1, NM_001362518.2 and 1 more transcripts); short protein forms S503C, S651C.
Identifiers: ClinVar variation 4707423 (VCV004707423.2).

ClinVar aggregate classification (germline): Uncertain significance. Review status: criteria provided, multiple submitters, no conflicts (2 of 4 stars). 2 submissions from 2 submitters: Uncertain significance (2). Last evaluated 2025-06-11.

Submissions (2):

Labcorp Genetics (formerly Invitae), Labcorp
Classification: Uncertain significance. Last evaluated: 2025-06-11. Review status: criteria provided, single submitter. Criteria: Invitae Variant Classification Sherloc (09022015). Collection method: clinical testing. Allele origin: germline.
Comment: This sequence change replaces serine, which is neutral and polar, with cysteine, which is neutral and slightly polar, at codon 651 of the CHM protein (p.Ser651Cys). This variant is not present in population databases (gnomAD no frequency). This variant has not been reported in the literature in individuals affected with CHM-related conditions. An algorithm developed to predict the effect of missense changes on protein structure and function (PolyPhen-2) suggests that this variant is likely to be tolerated. In summary, the available evidence is currently insufficient to determine the role of this variant in disease. Therefore, it has been classified as a Variant of Uncertain Significance.

Blueprint Genetics
Classification: Uncertain significance. Last evaluated: 2020-03-05. Review status: criteria provided, single submitter. Criteria: ACMG Guidelines, 2015. Collection method: clinical testing. Allele origin: germline.